The following is an entry in ClinVar:

ClinVar aggregate classification (germline): Pathogenic (1 of 4 stars; one submission).

Conditions:
Spermatogenic failure 18. Identifiers: MedGen C4539783, MONDO:0054615, OMIM 617576.
Ciliary dyskinesia, primary, 37 (CILD37). Also called: CILIARY DYSKINESIA, PRIMARY, 37, WITH OR WITHOUT SITUS INVERSUS. Identifiers: MedGen C4539798, MONDO:0033204, OMIM 617577.

Allele frequency attached by ClinVar (database versions not stated): ExAC 0.00001; gnomAD exomes 0.00001; TOPMed 0.00001.
gnomAD v4.1: 3 of 1,613,342 alleles (0.00019%); highest among the groups gnomAD compares: Admixed American, 0.005%; no homozygotes.

Submission:

Labcorp Genetics (formerly Invitae), Labcorp
Classification: Pathogenic for Ciliary dyskinesia, primary, 37; Spermatogenic failure 18. Last evaluated: 2021-06-24. Review status: criteria provided, single submitter. Criteria: Invitae Variant Classification Sherloc (09022015). Collection method: clinical testing. Allele origin: germline.
Comment: This sequence change creates a premature translational stop signal (p.Tyr1389*) in the DNAH1 gene. It is expected to result in an absent or disrupted protein product. Loss-of-function variants in DNAH1 are known to be pathogenic (PMID: 27573432, 27798045). This variant is present in population databases (rs752041071, ExAC 0.009%). This variant has not been reported in the literature in individuals affected with DNAH1-related conditions. For these reasons, this variant has been classified as Pathogenic.

Literature cited by the submitters: PubMed 27573432; PubMed 27798045.

NM_015512.5(DNAH1):c.4167C>A (p.Tyr1389Ter)

Gene: DNAH1 (dynein axonemal heavy chain 1; plus strand). Cytogenetic location: 3p21.1.
Variant type: single nucleotide variant.
Coding change: c.4167C>A on transcript NM_015512.5 (MANE Select); coding-DNA position 4167, C replaced by A.
Protein change: p.Tyr1389Ter; replaces tyrosine 1389 with a stop codon.
Molecular consequence: nonsense.
Genome position (GRCh38, 1-based): chr3:52,358,638, C>A. VCF-style: chr3-52358638-C-A. GRCh37 (hg19) VCF-style: chr3-52392654-C-A.
Other names: short protein forms Y1389*.
Identifiers: ClinVar variation 1455501 (VCV001455501.6), dbSNP rs752041071, ClinGen allele CA2433823.
Genomic context (GRCh38, chr3:52,358,638, plus strand): 5'-GGAGATCACGCACATGTACTCAGCCGAGGGGGAGGAGGTACAGTTGTGCTTCTCCATCTA[C>A]CCCTCCAGCAACGTGGAGGACTGGCTGCGGGAGGTGGAGCGCAGCATGAAGGCCAGTGTG-3'